The following is an entry in ClinVar:

NM_004855.5(PIGB):c.163+3G>A

Genes: PIGB (phosphatidylinositol glycan anchor biosynthesis class B; plus strand), LOC130057105 (ATAC-STARR-seq lymphoblastoid active region 9444; plus strand). Cytogenetic location: 15q21.3.
Variant type: single nucleotide variant.
Coding change: c.163+3G>A on transcript NM_004855.5 (MANE Select); 3 bases into the intron after coding-DNA position 163, G replaced by A.
Molecular consequence: intron variant.
Genome position (GRCh38, 1-based): chr15:55,319,416, G>A. VCF-style: chr15-55319416-G-A. GRCh37 (hg19) VCF-style: chr15-55611614-G-A.
Other names: c.163+3G>A (NM_004855.4).
Identifiers: ClinVar variation 2177615 (VCV002177615.2), dbSNP rs1005870975, ClinGen allele CA270774456.

ClinVar aggregate classification (germline): Uncertain significance. Review status: criteria provided, multiple submitters, no conflicts (2 of 4 stars). 2 submissions from 2 submitters: Uncertain significance (2). Last evaluated 2022-07-23.

Conditions:
Inborn genetic diseases. Identifiers: MedGen C0950123, MeSH D030342.

Allele frequency attached by ClinVar (database versions not stated): gnomAD exomes 0.00001; gnomAD 0.00013; TOPMed 0.00013.
gnomAD v4.1: 35 of 1,551,360 alleles (0.0023%); highest among the groups gnomAD compares: African/African-American, 0.045%; no homozygotes.

Submissions (2):

Labcorp Genetics (formerly Invitae), Labcorp
Classification: Uncertain significance. Last evaluated: 2022-07-23. Review status: criteria provided, single submitter. Criteria: Invitae Variant Classification Sherloc (09022015). Collection method: clinical testing. Allele origin: germline.
Comment: This sequence change falls in intron 1 of the PIGB gene. It does not directly change the encoded amino acid sequence of the PIGB protein. It affects a nucleotide within the consensus splice site. This variant is present in population databases (no rsID available, gnomAD 0.02%). This variant has not been reported in the literature in individuals affected with PIGB-related conditions. Variants that disrupt the consensus splice site are a relatively common cause of aberrant splicing (PMID: 17576681, 9536098). Algorithms developed to predict the effect of sequence changes on RNA splicing suggest that this variant is not likely to affect RNA splicing. In summary, the available evidence is currently insufficient to determine the role of this variant in disease. Therefore, it has been classified as a Variant of Uncertain Significance.

Ambry Genetics
Classification: Uncertain significance for Inborn genetic diseases. Last evaluated: 2022-02-28. Review status: criteria provided, single submitter. Criteria: Ambry Variant Classification Scheme 2023. Collection method: clinical testing. Allele origin: germline.
Comment: The c.163+3G>A intronic alteration consists of a G to A substitution nucleotides after coding exon 1 in the PIGB gene. Based on insufficient or conflicting evidence, the clinical significance of this alteration remains unclear.

Literature cited by the submitters: PubMed 17576681 (cited by Labcorp Genetics (formerly Invitae), Labcorp); PubMed 9536098 (cited by Labcorp Genetics (formerly Invitae), Labcorp).